The following is an entry in ClinVar:

ClinVar aggregate classification (germline): Likely pathogenic (1 of 4 stars; one submission).

Conditions:
Congenital microcephaly - severe encephalopathy - progressive cerebral atrophy syndrome. Also called: Asparagine synthetase deficiency; ASNS DEFICIENCY. Identifiers: Orphanet 391376, MedGen C3809971, MONDO:0014258, OMIM 615574.

Submission:

Juno Genomics, Hangzhou Juno Genomics, Inc
Classification: Likely pathogenic for Congenital microcephaly - severe encephalopathy - progressive cerebral atrophy syndrome. Review status: criteria provided, single submitter. Criteria: ACMG Guidelines, 2015. Collection method: clinical testing. Allele origin: germline.
Comment: Absent from controls (or at extremely low frequency if recessive) in Genome Aggregation Database.;Null variant in a gene where loss of function (LOF) is a known mechanism of disease.

NM_001673.5(ASNS):c.1281del (p.Tyr428fs)

Genes: ASNS (asparagine synthetase (glutamine-hydrolyzing); minus strand), CZ1P-ASNS (CZ1P-ASNS readthrough; minus strand). Cytogenetic location: 7q21.3.
Variant type: Deletion.
Coding change: c.1281del on transcript NM_001673.5 (MANE Select); coding-DNA position 1281, one base deleted (C; older notation c.1281delC).
Protein change: p.Tyr428fs; shifts the reading frame from tyrosine 428.
Molecular consequence: frameshift variant. On other transcripts: non-coding transcript variant (1).
Genome position (GRCh38, 1-based): chr7:97,853,344, G deleted on the plus strand (C on the coding strand, the reverse complement: ASNS is on the minus strand); the first of 2 consecutive G bases (chr7:97,853,344-97,853,345); deleting either gives the same sequence. VCF-style (leftmost placement, unchanged base first): chr7-97853343-AG-A. GRCh37 (hg19) VCF-style: chr7-97482655-AG-A.
Other names: c.1218del, p.Tyr407fs (NM_001178075.2); c.1032del, p.Tyr345fs (NM_001178076.2, NM_001178077.1); c.1281del, p.Tyr428fs (NM_001352496.2, NM_133436.3, NM_183356.4); short protein forms Y428fs, Y345fs, Y407fs.
Identifiers: ClinVar variation 5007687 (VCV005007687.2).